The following is an entry in ClinVar:

NM_005639.3(SYT1):c.724G>A (p.Gly242Arg)

Gene: SYT1 (synaptotagmin 1; plus strand). Cytogenetic location: 12q21.2.
Variant type: single nucleotide variant.
Coding change: c.724G>A on transcript NM_005639.3 (MANE Select); coding-DNA position 724, G replaced by A.
Protein change: p.Gly242Arg; replaces glycine 242 with arginine.
Molecular consequence: missense variant.
Genome position (GRCh38, 1-based): chr12:79,299,465, G>A. VCF-style: chr12-79299465-G-A. GRCh37 (hg19) VCF-style: chr12-79693245-G-A.
Other names: c.724G>A, p.Gly242Arg (NM_001135805.2, NM_001135806.2, NM_001415938.1 and 2 more transcripts); c.715G>A, p.Gly239Arg (NM_001291901.2, NM_001415941.1, NM_001415942.1 and 1 more transcripts); short protein forms G239R, G242R.
Identifiers: ClinVar variation 3897604 (VCV003897604.1).

ClinVar aggregate classification (germline): Likely pathogenic (1 of 4 stars; one submission).

Conditions:
Infantile hypotonia-oculomotor anomalies-hyperkinetic movements-developmental delay syndrome. Also called: BAKER-GORDON SYNDROME; NEURODEVELOPMENTAL DISORDER WITH INVOLUNTARY MOVEMENT AND ABNORMAL ELECTROENCEPHALOGRAM. Identifiers: Orphanet 522077, MedGen C4748715, MONDO:0033864, OMIM 618218.

Submission:

Genetics Laboratory, UDIAT-Centre Diagnòstic, Hospital Universitari Parc Tauli
Classification: Likely pathogenic for infantile hypotonia-oculomotor anomalies-hyperkinetic movements-developmental delay syndrome. Last evaluated: 2022-10-17. Review status: criteria provided, single submitter. Criteria: ACMG Guidelines, 2015. Collection method: clinical testing. Allele origin: unknown. Inheritance: Autosomal dominant inheritance. Affected: yes.
Comment: PM1_moderate;PM2_supporting;PM6_moderate;PP3_supporting